The following is an entry in ClinVar:

NM_001130438.3(SPTAN1):c.4596-5T>C

Gene: SPTAN1 (spectrin alpha, non-erythrocytic 1; plus strand). Cytogenetic location: 9q34.11.
Variant type: single nucleotide variant.
Coding change: c.4596-5T>C on transcript NM_001130438.3 (MANE Select); 5 bases into the intron before coding-DNA position 4596, T replaced by C.
Molecular consequence: intron variant.
Genome position (GRCh38, 1-based): chr9:128,609,117, T>C. VCF-style: chr9-128609117-T-C. GRCh37 (hg19) VCF-style: chr9-131371396-T-C.
Other names: c.4596-5T>C (NM_001363759.2, NM_003127.4); c.4536-5T>C (NM_001363765.2, NM_001195532.2).
Identifiers: ClinVar variation 589935 (VCV000589935.5), dbSNP rs770533632, ClinGen allele CA891842908.
Genomic context (GRCh38, chr9:128,609,117, plus strand): 5'-TCTCCCCACTTCCTTCTCCACGGTAAGATATGCTCATGTTGGATCTCATGGTTTCACTCT[T>C]TCAGGTGGCGACGTCTGAAAGCCCAGATGATTGAGAAAAGGTCAAAGCTAGGAGAATCTC-3'

ClinVar aggregate classification (germline): Uncertain significance (1 of 4 stars; one submission).

Conditions:
Inborn genetic diseases. Identifiers: MedGen C0950123, MeSH D030342.

Submission:

Ambry Genetics
Classification: Uncertain significance for Inborn genetic diseases. Last evaluated: 2016-10-12. Review status: criteria provided, single submitter. Criteria: Ambry Variant Classification Scheme 2023. Collection method: clinical testing. Allele origin: germline.
Comment: The c.4596-5T>C intronic variant results from a T to C substitution 5 nucleotides upstream from coding exon 35 in the SPTAN1 gene. This variant was not reported in population based cohorts in the following databases: Database of Single Nucleotide Polymorphisms (dbSNP), NHLBI Exome Sequencing Project (ESP), and 1000 Genomes Project. In the ESP, this variant was not observed in 6503 samples (13006 alleles) with coverage at this position. This nucleotide position is not well conserved in available vertebrate species. Using the BDGP and ESEfinder splice site prediction tools, this alteration is not predicted to have any significant effect on this splice acceptor site; however, direct evidence is unavailable. Since supporting evidence is limited at this time, the clinical significance of this alteration remains unclear.